The following is an entry in ClinVar:

ClinVar aggregate classification (germline): Benign/Likely benign. Review status: criteria provided, multiple submitters, no conflicts (2 of 4 stars). 6 submissions from 6 submitters: Benign (2); Likely benign (4). Last evaluated 2026-10-01.

Conditions:
Autoinflammatory syndrome. Identifiers: Orphanet 93665, MedGen C3890737, MONDO:0019751.
Pityriasis rubra pilaris (PRP). Also called: Pityriasis rubra pilaris--familial type. Identifiers: Orphanet 2897, MedGen C0032027, MONDO:0100017, OMIM 173200, MONDO:0008251.
Psoriasis 2. Identifiers: MedGen C1864497, MONDO:0011269, OMIM 602723.

Allele frequency attached by ClinVar (database versions not stated): 1000 Genomes Project 30x 0.00047; 1000 Genomes Project 0.00060; TOPMed 0.00178; ESP Exome Variant Server 0.00216.
gnomAD v4.1: 469 of 1,590,942 alleles (0.029%); highest among the groups gnomAD compares: African/African-American, 0.55%; 1 homozygote.

Submissions (6):

CeGaT Center for Human Genetics Tuebingen
Classification: Likely benign. Last evaluated: 2026-10-01. Review status: criteria provided, single submitter. Criteria: CeGaT Center For Human Genetics Tuebingen Variant Classification Criteria Version 2. Collection method: clinical testing. Allele origin: germline. Affected: yes. Observed: 1 variant allele.
Comment: CARD14: BP4, BP7, BS1

Labcorp Genetics (formerly Invitae), Labcorp
Classification: Benign for Pityriasis rubra pilaris; Psoriasis 2. Last evaluated: 2026-02-01. Review status: criteria provided, single submitter. Criteria: Invitae Variant Classification Sherloc (09022015). Collection method: clinical testing. Allele origin: germline.

Women's Health and Genetics/Laboratory Corporation of America, LabCorp
Classification: Benign. Last evaluated: 2026-01-22. Review status: criteria provided, single submitter. Criteria: LabCorp Variant Classification Summary - May 2015. Collection method: clinical testing. Allele origin: germline.

Mayo Clinic Laboratories, Mayo Clinic
Classification: Likely benign. Last evaluated: 2025-06-05. Review status: criteria provided, single submitter. Criteria: ACMG Guidelines, 2015. Collection method: clinical testing. Allele origin: germline. Observed: 1 variant allele.
Comment: BS1, BP4, BP7

Blueprint Genetics
Classification: Likely benign. Last evaluated: 2024-08-16. Review status: criteria provided, single submitter. Criteria: ACMG Guidelines, 2015. Collection method: clinical testing. Allele origin: germline.

Genome Diagnostics Laboratory, The Hospital for Sick Children
Classification: Likely benign for Autoinflammatory syndrome. Last evaluated: 2020-04-01. Review status: criteria provided, single submitter. Criteria: ACMG Guidelines, 2015. Collection method: clinical testing. Allele origin: germline. Affected: yes.

NM_001366385.1(CARD14):c.931C>A (p.Arg311=)

Gene: CARD14 (caspase recruitment domain family member 14; plus strand). Cytogenetic location: 17q25.3.
Variant type: single nucleotide variant.
Coding change: c.931C>A on transcript NM_001366385.1 (MANE Select); coding-DNA position 931, C replaced by A.
Protein change: p.Arg311=; no amino-acid change (arginine 311 retained).
Molecular consequence: synonymous variant. On other transcripts: non-coding transcript variant (1).
Genome position (GRCh38, 1-based): chr17:80,189,840, C>A. VCF-style: chr17-80189840-C-A. GRCh37 (hg19) VCF-style: chr17-78163639-C-A.
Other names: p.Arg311=; c.931C>A, p.Arg311= (NM_001257970.1, NM_024110.4); c.220C>A, p.Arg74= (NM_052819.3).
Identifiers: ClinVar variation 458109 (VCV000458109.19), dbSNP rs145167842, ClinGen allele CA8816580.